The following is an entry in ClinVar:

ClinVar aggregate classification (germline): Likely benign. Review status: criteria provided, single submitter (1 of 4 stars). 2 submissions from 2 submitters: Likely benign (1). 1 of the submissions does not count toward it. Last evaluated 2025-01-01.

Conditions:
STAT1-related disorder. Also called: STAT1-related condition.
Immunodeficiency 31B. Also called: STAT1 DEFICIENCY, AUTOSOMAL RECESSIVE; IMMUNODEFICIENCY 31B, MYCOBACTERIAL AND VIRAL INFECTIONS, AUTOSOMAL RECESSIVE. Identifiers: Orphanet 391311, MedGen C3151088, MONDO:0013427, OMIM 613796.
Autoimmune enteropathy and endocrinopathy - susceptibility to chronic infections syndrome. Also called: Immunodeficiency 31C, autosomal dominant; Immunodeficiency 31C. Identifiers: Orphanet 391487, MedGen C3279990, MONDO:0013599, OMIM 614162.
Mendelian susceptibility to mycobacterial diseases due to partial STAT1 deficiency. Also called: IMMUNODEFICIENCY 31A, MYCOBACTERIOSIS, AUTOSOMAL DOMINANT; STAT1 DEFICIENCY, AUTOSOMAL DOMINANT; Immunodeficiency 31a. Identifiers: Orphanet 319595, MedGen C4013950, MONDO:0013956, OMIM 614892.

Submissions (7):

Labcorp Genetics (formerly Invitae), Labcorp
Classification: Likely benign for Mendelian susceptibility to mycobacterial diseases due to partial STAT1 deficiency; Immunodeficiency 31B; Autoimmune enteropathy and endocrinopathy - susceptibility to chronic infections syndrome. Last evaluated: 2025-01-01. Review status: criteria provided, single submitter. Criteria: Invitae Variant Classification Sherloc (09022015). Collection method: clinical testing. Allele origin: germline.

PreventionGenetics, part of Exact Sciences
Classification: Likely benign for STAT1-related condition. Last evaluated: 2023-12-10. Review status: no assertion criteria provided. Collection method: clinical testing. Allele origin: germline. Not counted in ClinVar's aggregate classification.
Comment: This variant is classified as likely benign based on ACMG/AMP sequence variant interpretation guidelines (Richards et al. 2015 PMID: 25741868, with internal and published modifications).

Dr. Peter K. Rogan Lab, Western University
No classification provided (evidence only). Condition: Familial cancer of breast. Review status: no classification provided. Collection method: in vitro. Allele origin: not applicable. Functional consequence: skipped exon. Not counted in ClinVar's aggregate classification.

Dr. Peter K. Rogan Lab, Western University
No classification provided (evidence only). Condition: Colon adenocarcinoma. Review status: no classification provided. Collection method: in vitro. Allele origin: not applicable. Functional consequence: retained intron. Not counted in ClinVar's aggregate classification.

Dr. Peter K. Rogan Lab, Western University
No classification provided (evidence only). Condition: Colon adenocarcinoma. Review status: no classification provided. Collection method: in vitro. Allele origin: not applicable. Functional consequence: retained intron. Not counted in ClinVar's aggregate classification.

Dr. Peter K. Rogan Lab, Western University
No classification provided (evidence only). Condition: Colorectal cancer. Review status: no classification provided. Collection method: in vitro. Allele origin: not applicable. Functional consequence: retained intron. Not counted in ClinVar's aggregate classification.

Dr. Peter K. Rogan Lab, Western University
No classification provided (evidence only). Condition: Uterine corpus endometrial carcinoma. Review status: no classification provided. Collection method: in vitro. Allele origin: not applicable. Functional consequence: skipped exon. Not counted in ClinVar's aggregate classification.

NM_007315.4(STAT1):c.1098-5del

Gene: STAT1 (signal transducer and activator of transcription 1; minus strand). Cytogenetic location: 2q32.2.
Variant type: Deletion.
Coding change: c.1098-5del on transcript NM_007315.4 (MANE Select); 5 bases into the intron before coding-DNA position 1098, one base deleted (T; older notation c.1098-5delT).
Molecular consequence: intron variant.
Genome position (GRCh38, 1-based): chr2:190,987,073, A deleted on the plus strand (T on the coding strand, the reverse complement: STAT1 is on the minus strand); the first of 8 consecutive A bases (chr2:190,987,073-190,987,080); deleting any one gives the same sequence. VCF-style (leftmost placement, unchanged base first): chr2-190987072-CA-C. GRCh37 (hg19) VCF-style: chr2-191851798-CA-C.
Other names: NC_000002.11:g.191851806del; c.1098-12del (NM_007315.4); c.1008-5del (NM_001384890.1); c.999-5del (NM_001384883.1); c.939-5del (NM_001384885.1); c.1005-5del (NM_001384887.1); c.1038-5del (NM_001384880.1); c.1098-126del (NM_001384888.1); and 3 more.
Identifiers: ClinVar variation 1133240 (VCV001133240.12), dbSNP rs200288904, ClinGen allele CA2030045.